The following is an entry in ClinVar:

NM_031443.4(CCM2):c.943A>C (p.Ile315Leu)

Gene: CCM2 (CCM2 scaffold protein; plus strand). Cytogenetic location: 7p13.
Variant type: single nucleotide variant.
Coding change: c.943A>C on transcript NM_031443.4 (MANE Select); coding-DNA position 943, A replaced by C.
Protein change: p.Ile315Leu; replaces isoleucine 315 with leucine.
Molecular consequence: missense variant. On other transcripts: non-coding transcript variant (1).
Genome position (GRCh38, 1-based): chr7:45,074,297, A>C. VCF-style: chr7-45074297-A-C. GRCh37 (hg19) VCF-style: chr7-45113896-A-C.
Other names: c.1006A>C, p.Ile336Leu (NM_001029835.2); c.769A>C, p.Ile257Leu (NM_001167934.2); c.670A>C, p.Ile224Leu (NM_001167935.2); c.1066A>C, p.Ile356Leu (NM_001363458.2); c.892A>C, p.Ile298Leu (NM_001363459.2); short protein forms I224L, I257L, I298L, I315L, I336L, I356L.
Identifiers: ClinVar variation 4279877 (VCV004279877.1).

ClinVar aggregate classification (germline): Uncertain significance (1 of 4 stars; one submission).

Conditions:
Cerebral cavernous malformation 2. Also called: Familial Cerebral Cavernous Malformation 2. Identifiers: Orphanet 221061, MedGen C1864041, MONDO:0011304, OMIM 603284.

Submission:

Clinical Genomics Laboratory, Washington University in St. Louis
Classification: Uncertain significance for Cerebral cavernous malformation 2. Last evaluated: 2025-07-21. Review status: criteria provided, single submitter. Criteria: ACMG Guidelines, 2015. Collection method: clinical testing. Allele origin: germline.
Comment: The CCM2 c.943A>C (p.Ile315Leu) variant, to our knowledge, has not been reported in the medical literature. This variant is absent from the general population (gnomAD v4.1.0), indicating it is not a common variant. Computational predictors suggest that the variant does not impact CCM2 function. Due to limited information, and based on ACMG/AMP guidelines for variant interpretation (Richards S et al., PMID: 25741868), the clinical significance of this variant is uncertain at this time.